The following is an entry in ClinVar:

ClinVar aggregate classification (germline): Uncertain significance (1 of 4 stars; one submission).

Conditions:
Cernunnos-XLF deficiency (IMD124). Also called: NHEJ1 SYNDROME; Severe combined immunodeficiency with sensitivity to ionizing radiation due to NHEJ1 deficiency; SCID, autosomal recessive, T cell-negative, B cell-negative, NK cell-positive, and sensitivity to ionizing radiation due to NHEJ1 deficiency; IMMUNODEFICIENCY 124, SEVERE COMBINED; SCID, AUTOSOMAL RECESSIVE, T CELL-NEGATIVE, B CELL-NEGATIVE, NK CELL-POSITIVE, WITH MICROCEPHALY, GROWTH RETARDATION, AND SENSITIVITY TO IONIZING RADIATION. Identifiers: Orphanet 169079, MedGen C1969799, MONDO:0012650, OMIM 611291.

Allele frequency attached by ClinVar (database versions not stated): gnomAD exomes below 0.00001.
gnomAD v4.1: 3 of 1,614,166 alleles (0.00019%); highest among the groups gnomAD compares: East Asian, 0.0045%; no homozygotes.

Submission:

Labcorp Genetics (formerly Invitae), Labcorp
Classification: Uncertain significance for Cernunnos-XLF deficiency. Last evaluated: 2022-01-03. Review status: criteria provided, single submitter. Criteria: Invitae Variant Classification Sherloc (09022015). Collection method: clinical testing. Allele origin: germline.
Comment: This sequence change affects codon 227 of the NHEJ1 mRNA. It is a 'silent' change, meaning that it does not change the encoded amino acid sequence of the NHEJ1 protein. This variant has not been reported in the literature in individuals affected with NHEJ1-related conditions. This variant is not present in population databases (gnomAD no frequency). In summary, the available evidence is currently insufficient to determine the role of this variant in disease. Therefore, it has been classified as a Variant of Uncertain Significance. Algorithms developed to predict the effect of sequence changes on RNA splicing suggest that this variant may create or strengthen a splice site.

NM_024782.3(NHEJ1):c.681A>G (p.Gln227=)

Gene: NHEJ1 (non-homologous end joining factor 1; minus strand). Cytogenetic location: 2q35.
Variant type: single nucleotide variant.
Coding change: c.681A>G on transcript NM_024782.3 (MANE Select); coding-DNA position 681, A replaced by G.
Protein change: p.Gln227=; no amino-acid change (glutamine 227 retained).
Molecular consequence: synonymous variant. On other transcripts: non-coding transcript variant (1).
Genome position (GRCh38, 1-based): chr2:219,078,114, T>C on the plus strand (A>G on the coding strand, the complement: NHEJ1 is on the minus strand). VCF-style: chr2-219078114-T-C. GRCh37 (hg19) VCF-style: chr2-219942836-T-C.
Other names: c.681A>G, p.Gln227= (NM_001377498.1, NM_001377499.1).
Identifiers: ClinVar variation 1506037 (VCV001506037.6), dbSNP rs1949031096, ClinGen allele CA431268659.